The following is an entry in ClinVar:

NM_001458.5(FLNC):c.1585G>A (p.Gly529Arg)

Gene: FLNC (filamin C; plus strand). Cytogenetic location: 7q32.1.
Variant type: single nucleotide variant.
Coding change: c.1585G>A on transcript NM_001458.5 (MANE Select); coding-DNA position 1585, G replaced by A.
Protein change: p.Gly529Arg; replaces glycine 529 with arginine.
Molecular consequence: missense variant.
Genome position (GRCh38, 1-based): chr7:128,840,583, G>A. VCF-style: chr7-128840583-G-A. GRCh37 (hg19) VCF-style: chr7-128480637-G-A.
Other names: c.1585G>A, p.Gly529Arg (NM_001127487.2); short protein forms G529R.
Identifiers: ClinVar variation 1775792 (VCV001775792.2), dbSNP rs1808288615, ClinGen allele CA369226527.

ClinVar aggregate classification (germline): Uncertain significance (1 of 4 stars; one submission).

Conditions:
Cardiovascular phenotype. Identifiers: MedGen CN230736.

Allele frequency attached by ClinVar (database versions not stated): TOPMed below 0.00001.

Submission:

Ambry Genetics
Classification: Uncertain significance for Cardiovascular phenotype. Last evaluated: 2019-08-13. Review status: criteria provided, single submitter. Criteria: Ambry Variant Classification Scheme 2023. Collection method: clinical testing. Allele origin: germline.
Comment: The p.G529R variant (also known as c.1585G>A), located in coding exon 10 of the FLNC gene, results from a G to A substitution at nucleotide position 1585. The glycine at codon 529 is replaced by arginine, an amino acid with dissimilar properties. This amino acid position is well conserved in available vertebrate species. In addition, the in silico prediction for this alteration is inconclusive. Since supporting evidence is limited at this time, the clinical significance of this alteration remains unclear.